The following is an entry in ClinVar:

NM_004360.5(CDH1):c.2527G>A (p.Ala843Thr)

Gene: CDH1 (cadherin 1; plus strand). Cytogenetic location: 16q22.1.
Variant type: single nucleotide variant.
Coding change: c.2527G>A on transcript NM_004360.5 (MANE Select); coding-DNA position 2527, G replaced by A.
Protein change: p.Ala843Thr; replaces alanine 843 with threonine.
Molecular consequence: missense variant.
Genome position (GRCh38, 1-based): chr16:68,833,377, G>A. VCF-style: chr16-68833377-G-A. GRCh37 (hg19) VCF-style: chr16-68867280-G-A.
Other names: c.2344G>A, p.Ala782Thr (NM_001317184.2); c.979G>A, p.Ala327Thr (NM_001317185.2); c.562G>A, p.Ala188Thr (NM_001317186.2); c.2527G>A (LRG_301t1); short protein forms A843T, A188T, A782T, A327T.
Identifiers: ClinVar variation 481122 (VCV000481122.17), dbSNP rs768350776, ClinGen allele CA8130304.

ClinVar aggregate classification (germline): Uncertain significance. Review status: criteria provided, multiple submitters, no conflicts (2 of 4 stars). 3 submissions from 3 submitters: Uncertain significance (3). Last evaluated 2025-10-26.

Conditions:
Hereditary cancer-predisposing syndrome. Also called: Hereditary neoplastic syndrome; Neoplastic Syndromes, Hereditary; Tumor predisposition; Hereditary Cancer Syndrome. Identifiers: Orphanet 140162, MedGen C0027672, MeSH D009386, MONDO:0015356.
Hereditary diffuse gastric adenocarcinoma (HDGC). Also called: DIFFUSE GASTRIC AND LOBULAR BREAST CANCER SYNDROME. Identifiers: Orphanet 26106, MedGen C1708349, MONDO:0007648, OMIM 137215.

Allele frequency attached by ClinVar (database versions not stated): gnomAD exomes below 0.00001; ExAC 0.00001.
gnomAD v4.1: 2 of 1,614,178 alleles (0.00012%); highest among the groups gnomAD compares: Non-Finnish European, 0.00017%; no homozygotes.

Submissions (3):

Ambry Genetics
Classification: Uncertain significance for Hereditary cancer-predisposing syndrome. Last evaluated: 2025-10-26. Review status: criteria provided, single submitter. Criteria: Ambry Variant Classification Scheme 2023. Collection method: clinical testing. Allele origin: germline.
Comment: The p.A843T variant (also known as c.2527G>A), located in coding exon 16 of the CDH1 gene, results from a G to A substitution at nucleotide position 2527. The alanine at codon 843 is replaced by threonine, an amino acid with similar properties. This amino acid position is not well conserved in available vertebrate species. In addition, this alteration is predicted to be tolerated by in silico analysis. Since supporting evidence is limited at this time, the clinical significance of this alteration remains unclear.

Color Diagnostics, LLC DBA Color Health
Classification: Uncertain significance for Hereditary cancer-predisposing syndrome. Last evaluated: 2023-12-04. Review status: criteria provided, single submitter. Criteria: ACMG Guidelines, 2015. Collection method: clinical testing. Allele origin: germline.
Comment: This missense variant replaces alanine with threonine at codon 843 of the CDH1 protein. To our knowledge, functional studies have not been reported for this variant. This variant has not been reported in individuals affected with CDH1-related disorders in the literature. This variant has been identified in 1/251490 chromosomes in the general population by the Genome Aggregation Database (gnomAD). The available evidence is insufficient to determine the role of this variant in disease conclusively. Therefore, this variant is classified as a Variant of Uncertain Significance.

Labcorp Genetics (formerly Invitae), Labcorp
Classification: Uncertain significance for Hereditary diffuse gastric adenocarcinoma. Last evaluated: 2021-06-18. Review status: criteria provided, single submitter. Criteria: Invitae Variant Classification Sherloc (09022015). Collection method: clinical testing. Allele origin: germline.
Comment: This variant is present in population databases (rs768350776, ExAC 0.001%). In summary, the available evidence is currently insufficient to determine the role of this variant in disease. Therefore, it has been classified as a Variant of Uncertain Significance. Algorithms developed to predict the effect of missense changes on protein structure and function (SIFT, PolyPhen-2, Align-GVGD) all suggest that this variant is likely to be tolerated, but these predictions have not been confirmed by published functional studies and their clinical significance is uncertain. This variant has not been reported in the literature in individuals with CDH1-related disease. ClinVar contains an entry for this variant (Variation ID: 481122). This sequence change replaces alanine with threonine at codon 843 of the CDH1 protein (p.Ala843Thr). The alanine residue is moderately conserved and there is a small physicochemical difference between alanine and threonine.